The following is an entry in ClinVar:

ClinVar aggregate classification (germline): Uncertain significance (1 of 4 stars; one submission).

Submission:

GeneDx
Classification: Uncertain significance. Last evaluated: 2026-06-04. Review status: criteria provided, single submitter. Criteria: GeneDx Variant Classification Process June 2021. Collection method: clinical testing. Allele origin: germline.
Comment: Not observed at significant frequency in large population cohorts (gnomAD); In silico analysis supports that this missense variant has a deleterious effect on protein structure/function; Has not been previously published as pathogenic or benign to our knowledge.

NM_032271.3(TRAF7):c.1676G>A (p.Gly559Asp)

Gene: TRAF7 (TNF receptor associated factor 7; plus strand). Cytogenetic location: 16p13.3.
Variant type: single nucleotide variant.
Coding change: c.1676G>A on transcript NM_032271.3 (MANE Select); coding-DNA position 1676, G replaced by A.
Protein change: p.Gly559Asp; replaces glycine 559 with aspartic acid.
Molecular consequence: missense variant.
Genome position (GRCh38, 1-based): chr16:2,175,883, G>A. VCF-style: chr16-2175883-G-A. GRCh37 (hg19) VCF-style: chr16-2225884-G-A.
Other names: short protein forms G559D.
Identifiers: ClinVar variation 3572430 (VCV003572430.2).